The following is an entry in ClinVar:

ClinVar aggregate classification (germline): Uncertain significance (1 of 4 stars; one submission).

Submission:

Dasa
Classification: Uncertain significance. Last evaluated: 2025-12-30. Review status: criteria provided, single submitter. Criteria: DASA Assertion Criteria. Collection method: clinical testing. Allele origin: germline.
Comment: NM_000742.4(CHRNA2):c.294+6C>A is a splice-region variant. This variant is rare in population databases. Computational prediction algorithms are consistent with a benign effect. The currently available literature and clinical evidence are not sufficient to establish a definitive association between this variant and the reported condition. Therefore, this variant is classified as a variant of uncertain significance.

NM_000742.4(CHRNA2):c.294+6C>A

Gene: CHRNA2 (cholinergic receptor nicotinic alpha 2 subunit; minus strand). Cytogenetic location: 8p21.2.
Variant type: single nucleotide variant.
Coding change: c.294+6C>A on transcript NM_000742.4 (MANE Select); 6 bases into the intron after coding-DNA position 294, C replaced by A.
Molecular consequence: intron variant.
Genome position (GRCh38, 1-based): chr8:27,469,755, G>T on the plus strand (C>A on the coding strand, the complement: CHRNA2 is on the minus strand). VCF-style: chr8-27469755-G-T. GRCh37 (hg19) VCF-style: chr8-27327272-G-T.
Other names: c.-179+51C>A (NM_001347705.2); c.249+51C>A (NM_001282455.2); c.-168+6C>A (NM_001347708.2); c.-179+6C>A (NM_001347706.2); c.-165+51C>A (NM_001347707.2).
Identifiers: ClinVar variation 4885071 (VCV004885071.2).
Genomic context (GRCh38, chr8:27,469,755, plus strand): 5'-CAGGGGGAAAGCGGTGGGTGGTCTGGGATCTCCTTCCTCGGGCCAGCGGTGGGAAGACAG[G>T]CGCACCACATCGATGAGCTGAGCGATGGACAGTCCAAAGCGCACAATCACCACGTCTGAA-3'